The following is an entry in ClinVar:

NM_001987.5(ETV6):c.23G>T (p.Cys8Phe)

Gene: ETV6 (ETS variant transcription factor 6; plus strand). Cytogenetic location: 12p13.2.
Variant type: single nucleotide variant.
Coding change: c.23G>T on transcript NM_001987.5 (MANE Select); coding-DNA position 23, G replaced by T.
Protein change: p.Cys8Phe; replaces cysteine 8 with phenylalanine.
Molecular consequence: missense variant.
Genome position (GRCh38, 1-based): chr12:11,650,150, G>T. VCF-style: chr12-11650150-G-T. GRCh37 (hg19) VCF-style: chr12-11803084-G-T.
Other names: c.23G>T, p.Cys8Phe (NM_001413913.1, NM_001413916.1, NM_001413917.1 and 1 more transcripts); c.-130G>T (NM_001413914.1); c.-112G>T (NM_001413915.1); short protein forms C8F.
Identifiers: ClinVar variation 2329054 (VCV002329054.4), dbSNP rs921592943, ClinGen allele CA232479199.

ClinVar aggregate classification (germline): Uncertain significance. Review status: criteria provided, multiple submitters, no conflicts (2 of 4 stars). 2 submissions from 2 submitters: Uncertain significance (2). Last evaluated 2025-03-29.

Conditions:
Inborn genetic diseases. Identifiers: MedGen C0950123, MeSH D030342.

gnomAD v4.1: 1 of 1,613,714 alleles (0.000062%); highest among the groups gnomAD compares: Non-Finnish European, 0.000085%; no homozygotes.

Submissions (2):

Ambry Genetics
Classification: Uncertain significance for Inborn genetic diseases. Last evaluated: 2025-03-29. Review status: criteria provided, single submitter. Criteria: Ambry Variant Classification Scheme 2023. Collection method: clinical testing. Allele origin: germline.
Comment: The p.C8F variant (also known as c.23G>T), located in coding exon 1 of the ETV6 gene, results from a G to T substitution at nucleotide position 23. The cysteine at codon 8 is replaced by phenylalanine, an amino acid with highly dissimilar properties. This amino acid position is conserved. In addition, this alteration is predicted to be tolerated by in silico analysis. Based on the available evidence, the clinical significance of this variant remains unclear.

GeneDx
Classification: Uncertain significance. Last evaluated: 2023-05-11. Review status: criteria provided, single submitter. Criteria: GeneDx Variant Classification Process June 2021. Collection method: clinical testing. Allele origin: germline. Affected: yes.
Comment: Not observed at significant frequency in large population cohorts (gnomAD); In silico analysis supports that this missense variant does not alter protein structure/function; Has not been previously published as pathogenic or benign to our knowledge